The following is an entry in ClinVar:

NM_004415.4(DSP):c.8462_8463del (p.Ser2821fs)

Gene: DSP (desmoplakin; plus strand). Cytogenetic location: 6p24.3.
Variant type: Deletion.
Coding change: c.8462_8463del on transcript NM_004415.4 (MANE Select); coding-DNA positions 8462 to 8463, 2 bases deleted (CG; older notation c.8462_8463delCG).
Protein change: p.Ser2821fs; shifts the reading frame from serine 2821.
Molecular consequence: frameshift variant.
Genome position (GRCh38, 1-based): chr6:7,585,724-7,585,725, CG deleted. VCF-style (leftmost placement, unchanged base first): chr6-7585723-TCG-T. GRCh37 (hg19) VCF-style: chr6-7585956-TCG-T.
Other names: c.6665_6666del, p.Ser2222fs (NM_001008844.3); c.7133_7134del, p.Ser2378fs (NM_001319034.2); short protein forms S2222fs, S2378fs, S2821fs.
Identifiers: ClinVar variation 1333036 (VCV001333036.7), dbSNP rs2113705206, ClinGen allele CA2573052742.
Genomic context (GRCh38, chr6:7,585,723, plus strand): 5'-CGCCTTCTGGAAGCCGCCTCCGTGTCGTCCAAGGGCTTACCCAGCCCTTACAACATGTCT[TCG>T]GCTCCGGGGTCCCGCTCCGGCTCCCGCTCGGGATCTCGCTCCGGATCTCGCTCCGGGTCC-3'

ClinVar aggregate classification (germline): Conflicting classifications of pathogenicity. Review status: criteria provided, conflicting classifications (1 of 4 stars). 2 submissions from 2 submitters: Likely pathogenic (1); Uncertain significance (1). Last evaluated 2022-01-03.

Conditions:
Arrhythmogenic cardiomyopathy with wooly hair and keratoderma. Also called: Carvajal syndrome; Dilated cardiomyopathy with woolly hair and keratoderma; Arrhythmogenic cardiomyopathy with woolly hair and keratoderma; PALMOPLANTAR KERATODERMA WITH LEFT VENTRICULAR CARDIOMYOPATHY AND WOOLLY HAIR. Identifiers: Orphanet 65282, MedGen C1854063, MONDO:0011581, OMIM 605676.
Arrhythmogenic right ventricular dysplasia 8 (ARVD8). Also called: Arrhythmogenic Right Ventricular Dysplasia/Cardiomyopathy 8; ARRHYTHMOGENIC RIGHT VENTRICULAR DYSPLASIA, FAMILIAL, 8; ARRHYTHMOGENIC RIGHT VENTRICULAR CARDIOMYOPATHY 8. Identifiers: MedGen C1843896, MONDO:0011831, OMIM 607450.

Submissions (2):

GeneDx
Classification: Likely pathogenic. Last evaluated: 2022-01-03. Review status: criteria provided, single submitter. Criteria: GeneDx Variant Classification Process June 2021. Collection method: clinical testing. Allele origin: germline. Affected: yes.
Comment: Has not been previously published as pathogenic or benign to our knowledge; Not observed at significant frequency in large population cohorts (gnomAD); Frameshift variant predicted to result in protein truncation in a gene for which loss-of-function is a known mechanism of disease

Labcorp Genetics (formerly Invitae), Labcorp
Classification: Uncertain significance for Arrhythmogenic cardiomyopathy with wooly hair and keratoderma; Arrhythmogenic right ventricular dysplasia 8. Last evaluated: 2021-09-02. Review status: criteria provided, single submitter. Criteria: Invitae Variant Classification Sherloc (09022015). Collection method: clinical testing. Allele origin: germline.
Comment: In summary, the available evidence is currently insufficient to determine the role of this variant in disease. Therefore, it has been classified as a Variant of Uncertain Significance. This variant has not been reported in the literature in individuals affected with DSP-related conditions. This variant is not present in population databases (ExAC no frequency). This sequence change creates a premature translational stop signal (p.Ser2821Cysfs*30) in the DSP gene. While this is not anticipated to result in nonsense mediated decay, it is expected to disrupt the last 51 amino acid(s) of the DSP protein.